The following is an entry in ClinVar:

ClinVar aggregate classification (germline): Uncertain significance (1 of 4 stars; one submission).

Conditions:
Neutral lipid storage myopathy (NLSDM). Also called: NEUTRAL LIPID STORAGE DISEASE WITHOUT ICHTHYOSIS. Identifiers: Orphanet 98908, MedGen C1853136, MONDO:0012545, OMIM 610717.

Submission:

Labcorp Genetics (formerly Invitae), Labcorp
Classification: Uncertain significance for Neutral lipid storage myopathy. Last evaluated: 2025-11-08. Review status: criteria provided, single submitter. Criteria: Invitae Variant Classification Sherloc (09022015). Collection method: clinical testing. Allele origin: germline.
Comment: This sequence change replaces cysteine, which is neutral and slightly polar, with phenylalanine, which is neutral and non-polar, at codon 61 of the PNPLA2 protein (p.Cys61Phe). This variant is not present in population databases (gnomAD no frequency). This variant has not been reported in the literature in individuals affected with PNPLA2-related conditions. ClinVar contains an entry for this variant (Variation ID: 2985673). Invitae Evidence Modeling of protein sequence and biophysical properties (such as structural, functional, and spatial information, amino acid conservation, physicochemical variation, residue mobility, and thermodynamic stability) indicates that this missense variant is expected to disrupt PNPLA2 protein function with a positive predictive value of 80%. In summary, the available evidence is currently insufficient to determine the role of this variant in disease. Therefore, it has been classified as a Variant of Uncertain Significance.

NM_020376.4(PNPLA2):c.182G>T (p.Cys61Phe)

Genes: PNPLA2 (patatin like domain 2, triacylglycerol lipase; plus strand), LOC130005097 (ATAC-STARR-seq lymphoblastoid silent region 3036; plus strand). Cytogenetic location: 11p15.5.
Variant type: single nucleotide variant.
Coding change: c.182G>T on transcript NM_020376.4 (MANE Select); coding-DNA position 182, G replaced by T.
Protein change: p.Cys61Phe; replaces cysteine 61 with phenylalanine.
Molecular consequence: missense variant.
Genome position (GRCh38, 1-based): chr11:819,900, G>T. VCF-style: chr11-819900-G-T. GRCh37 (hg19) VCF-style: chr11-819900-G-T.
Other names: short protein forms C61F.
Identifiers: ClinVar variation 2985673 (VCV002985673.3), dbSNP rs767719410, ClinGen allele CA5790909.